The following is an entry in ClinVar:

ClinVar aggregate classification (germline): Likely benign (1 of 4 stars; one submission).

gnomAD v4.1: 309 of 1,575,848 alleles (0.02%); highest among the groups gnomAD compares: Non-Finnish European, 0.024%; 1 homozygote.

Submission:

CeGaT Center for Human Genetics Tuebingen
Classification: Likely benign. Last evaluated: 2022-10-01. Review status: criteria provided, single submitter. Criteria: CeGaT Center For Human Genetics Tuebingen Variant Classification Criteria Version 2. Collection method: clinical testing. Allele origin: germline. Affected: yes. Observed: 1 variant allele.
Comment: GSE1: BP4, BP7

NM_014615.5(GSE1):c.1065C>G (p.Arg355=)

Gene: GSE1 (Gse1 coiled-coil protein; plus strand). Cytogenetic location: 16q24.1.
Variant type: single nucleotide variant.
Coding change: c.1065C>G on transcript NM_014615.5 (MANE Select); coding-DNA position 1065, C replaced by G.
Protein change: p.Arg355=; no amino-acid change (arginine 355 retained).
Molecular consequence: synonymous variant.
Genome position (GRCh38, 1-based): chr16:85,656,418, C>G. VCF-style: chr16-85656418-C-G. GRCh37 (hg19) VCF-style: chr16-85690024-C-G.
Other names: c.753C>G, p.Arg251= (NM_001134473.3); c.846C>G, p.Arg282= (NM_001278184.3).
Identifiers: ClinVar variation 2646937 (VCV002646937.24), dbSNP rs376914656, ClinGen allele CA8214506.
Genomic context (GRCh38, chr16:85,656,418, plus strand): 5'-GGAGCTAAGGCGGGAGAGGGAGCGCGAGCGCGAGCGCGAGCGTGAGCGTGAGGCTGACCG[C>G]GAGCGGGAGAAGGAACGTGAGCGCGAACGCGAGAAGGAGCGCGAGCAAGAGAAGGAGCGT-3'
Protein context (NP_055430.1, residues 345-365): REREREREAD[Arg355=]EREKERERER